The following is an entry in ClinVar:

ClinVar aggregate classification (germline): Uncertain significance (1 of 4 stars; one submission).

Submission:

Labcorp Genetics (formerly Invitae), Labcorp
Classification: Uncertain significance. Last evaluated: 2025-02-05. Review status: criteria provided, single submitter. Criteria: Invitae Variant Classification Sherloc (09022015). Collection method: clinical testing. Allele origin: germline.
Comment: This sequence change creates a premature translational stop signal (p.Ile399Asnfs*11) in the NEFH gene. While this is not anticipated to result in nonsense mediated decay, it is expected to disrupt the last 622 amino acid(s) of the NEFH protein. This variant is present in population databases (no rsID available, gnomAD 0.007%). This variant has not been reported in the literature in individuals affected with NEFH-related conditions. Experimental studies and prediction algorithms are not available or were not evaluated, and the functional significance of this variant is currently unknown. In summary, the available evidence is currently insufficient to determine the role of this variant in disease. Therefore, it has been classified as a Variant of Uncertain Significance.

NM_021076.4(NEFH):c.1195dup (p.Ile399fs)

Gene: NEFH (neurofilament heavy chain; plus strand). Cytogenetic location: 22q12.2.
Variant type: Duplication.
Coding change: c.1195dup on transcript NM_021076.4 (MANE Select); coding-DNA position 1195, one base duplicated (A; older notation c.1195dupA).
Protein change: p.Ile399fs; shifts the reading frame from isoleucine 399.
Molecular consequence: frameshift variant.
Genome position (GRCh38, 1-based): chr22:29,485,834, A duplicated. VCF-style (leftmost placement, unchanged base first): chr22-29485833-G-GA. GRCh37 (hg19) VCF-style: chr22-29881822-G-GA.
Other names: short protein forms I399fs.
Identifiers: ClinVar variation 4748260 (VCV004748260.1).